The following is an entry in ClinVar:

NM_002887.3(RARS1):c.-45C>A

Gene: RARS1 (arginyl-tRNA synthetase 1; plus strand). Cytogenetic location: 5q34.
Variant type: single nucleotide variant.
Coding change: c.-45C>A on transcript NM_002887.3; 45 bases upstream of the start codon, C replaced by A.
Genome position (GRCh38, 1-based): chr5:168,486,454, C>A. VCF-style: chr5-168486454-C-A. GRCh37 (hg19) VCF-style: chr5-167913459-C-A.
Identifiers: ClinVar variation 380049 (VCV000380049.3), dbSNP rs2305725, ClinGen allele CA3549457.

ClinVar aggregate classification (germline): Benign (1 of 4 stars; one submission).

Allele frequency attached by ClinVar (database versions not stated): 1000 Genomes Project 30x 0.07433; ESP Exome Variant Server 0.12460; gnomAD 0.14533; 1000 Genomes Project 0.07428; TOPMed 0.11877.

Submission:

GeneDx
Classification: Benign. Last evaluated: 2016-01-24. Review status: criteria provided, single submitter. Criteria: GeneDx Variant Classification (06012015). Collection method: clinical testing. Allele origin: germline. Affected: yes.
Comment: This variant is considered likely benign or benign based on one or more of the following criteria: it is a conservative change, it occurs at a poorly conserved position in the protein, it is predicted to be benign by multiple in silico algorithms, and/or has population frequency not consistent with disease.